The following is an entry in ClinVar:

ClinVar aggregate classification (germline): Uncertain significance (0 of 4 stars; one submission).

Conditions:
HERC2-related disorder. Also called: HERC2-related condition.

gnomAD v4.1: 27 of 1,613,228 alleles (0.0017%); highest among the groups gnomAD compares: Non-Finnish European, 0.0017%; 1 homozygote.

Submission:

PreventionGenetics, part of Exact Sciences
Classification: Uncertain significance for HERC2-related condition. Last evaluated: 2024-07-30. Review status: no assertion criteria provided. Collection method: clinical testing. Allele origin: germline.
Comment: The HERC2 c.10678C>T variant is predicted to result in the amino acid substitution p.Arg3560Trp. To our knowledge, this variant has not been reported in the literature. This variant is reported in 0.0096% of alleles in individuals of Ashkenazi Jewish descent in gnomAD. At this time, the clinical significance of this variant is uncertain due to the absence of conclusive functional and genetic evidence.

NM_004667.6(HERC2):c.10678C>T (p.Arg3560Trp)

Gene: HERC2 (HECT and RLD domain containing E3 ubiquitin protein ligase 2; minus strand). Cytogenetic location: 15q13.1.
Variant type: single nucleotide variant.
Coding change: c.10678C>T on transcript NM_004667.6 (MANE Select); coding-DNA position 10678, C replaced by T.
Protein change: p.Arg3560Trp; replaces arginine 3560 with tryptophan.
Molecular consequence: missense variant.
Genome position (GRCh38, 1-based): chr15:28,163,162, G>A on the plus strand (C>T on the coding strand, the complement: HERC2 is on the minus strand). VCF-style: chr15-28163162-G-A. GRCh37 (hg19) VCF-style: chr15-28408308-G-A.
Other names: short protein forms R3560W.
Identifiers: ClinVar variation 3350758 (VCV003350758.1).